The following is an entry in ClinVar:

ClinVar aggregate classification (germline): Uncertain significance. Review status: criteria provided, single submitter (1 of 4 stars). 2 submissions from 2 submitters: Uncertain significance (1). 1 of the submissions does not count toward it. Last evaluated 2022-06-13.

Conditions:
Usher syndrome type 1F (USH1F). Also called: USHER SYNDROME, TYPE IF. Identifiers: Orphanet 231169, Orphanet 886, MedGen C1865885, MONDO:0011186, OMIM 602083.

gnomAD v4.1: 1 of 1,582,784 alleles (0.000063%); highest among the groups gnomAD compares: African/African-American, 0.0014%; no homozygotes.

Submissions (2):

Labcorp Genetics (formerly Invitae), Labcorp
Classification: Uncertain significance. Last evaluated: 2022-06-13. Review status: criteria provided, single submitter. Criteria: Invitae Variant Classification Sherloc (09022015). Collection method: clinical testing. Allele origin: germline.
Comment: This sequence change replaces proline, which is neutral and non-polar, with arginine, which is basic and polar, at codon 1792 of the PCDH15 protein (p.Pro1792Arg). This variant is not present in population databases (gnomAD no frequency). This variant has not been reported in the literature in individuals affected with PCDH15-related conditions. ClinVar contains an entry for this variant (Variation ID: 861025). Algorithms developed to predict the effect of missense changes on protein structure and function output the following: SIFT: "Deleterious"; PolyPhen-2: "Not Available"; Align-GVGD: "Class C0". The arginine amino acid residue is found in multiple mammalian species, which suggests that this missense change does not adversely affect protein function. In summary, the available evidence is currently insufficient to determine the role of this variant in disease. Therefore, it has been classified as a Variant of Uncertain Significance.

Natera, Inc.
Classification: Uncertain significance for Usher syndrome type 1F. Last evaluated: 2025-02-12. Review status: no assertion criteria provided. Collection method: clinical testing. Allele origin: germline. Not counted in ClinVar's aggregate classification.

NM_033056.4(PCDH15):c.5375C>G (p.Pro1792Arg)

Gene: PCDH15 (protocadherin related 15; minus strand). Cytogenetic location: 10q21.1.
Variant type: single nucleotide variant.
Coding change: c.5375C>G on transcript NM_033056.4 (MANE Plus Clinical); coding-DNA position 5375, C replaced by G.
Protein change: p.Pro1792Arg; replaces proline 1792 with arginine.
Molecular consequence: missense variant. On other transcripts: intron variant (8).
Genome position (GRCh38, 1-based): chr10:53,822,351, G>C on the plus strand (C>G on the coding strand, the complement: PCDH15 is on the minus strand). VCF-style: chr10-53822351-G-C. GRCh37 (hg19) VCF-style: chr10-55582111-G-C.
Other names: c.4388+2785C>G (NM_001142771.2); c.4373+2785C>G (NM_001142770.3, NM_001142772.2); c.4388+5042C>G (NM_001354411.2); c.4409+2785C>G (NM_001142769.3); c.5396C>G, p.Pro1799Arg (NM_001142763.2); c.5381C>G, p.Pro1794Arg (NM_001142764.2); c.5168C>G, p.Pro1723Arg (NM_001142765.2); c.5366C>G, p.Pro1789Arg (NM_001142766.2); and 7 more; short protein forms P1769R, P1794R, P1770R, P1799R, P1752R, P1772R, P1789R, P1723R.
Identifiers: ClinVar variation 861025 (VCV000861025.8), dbSNP rs374325488, ClinGen allele CA376525070.